The following is an entry in ClinVar:

NM_001004334.4(GPR179):c.2498G>A (p.Arg833Gln)

Gene: GPR179 (G protein-coupled receptor 179; minus strand). Cytogenetic location: 17q12.
Variant type: single nucleotide variant.
Coding change: c.2498G>A on transcript NM_001004334.4 (MANE Select); coding-DNA position 2498, G replaced by A.
Protein change: p.Arg833Gln; replaces arginine 833 with glutamine.
Molecular consequence: missense variant.
Genome position (GRCh38, 1-based): chr17:38,331,071, C>T on the plus strand (G>A on the coding strand, the complement: GPR179 is on the minus strand). VCF-style: chr17-38331071-C-T. GRCh37 (hg19) VCF-style: chr17-36486954-C-T.
Other names: c.2498G>A (NM_001004334.2); short protein forms R833Q.
Identifiers: ClinVar variation 1909796 (VCV001909796.7), dbSNP rs544904847, ClinGen allele CA290105772.

ClinVar aggregate classification (germline): Uncertain significance. Review status: criteria provided, multiple submitters, no conflicts (2 of 4 stars). 4 submissions from 4 submitters: Uncertain significance (4). Last evaluated 2025-08-05.

Conditions:
Congenital stationary night blindness 1E. Also called: Night blindness, congenital stationary (complete), 1E, autosomal recessive. Identifiers: Orphanet 215, MedGen C3281215, MONDO:0013807, OMIM 614565.
Inborn genetic diseases. Identifiers: MedGen C0950123, MeSH D030342.

Allele frequency attached by ClinVar (database versions not stated): TOPMed 0.00004; ExAC 0.00005; gnomAD 0.00009; 1000 Genomes Project 30x 0.00016; 1000 Genomes Project 0.00020.

Submissions (4):

Ambry Genetics
Classification: Uncertain significance for Inborn genetic diseases. Last evaluated: 2025-08-05. Review status: criteria provided, single submitter. Criteria: Ambry Variant Classification Scheme 2023. Collection method: clinical testing. Allele origin: germline.

Blueprint Genetics
Classification: Uncertain significance. Last evaluated: 2024-10-25. Review status: criteria provided, single submitter. Criteria: ACMG Guidelines, 2015. Collection method: clinical testing. Allele origin: germline.

Labcorp Genetics (formerly Invitae), Labcorp
Classification: Uncertain significance. Last evaluated: 2022-07-23. Review status: criteria provided, single submitter. Criteria: Invitae Variant Classification Sherloc (09022015). Collection method: clinical testing. Allele origin: germline.
Comment: This sequence change replaces arginine, which is basic and polar, with glutamine, which is neutral and polar, at codon 833 of the GPR179 protein (p.Arg833Gln). In summary, the available evidence is currently insufficient to determine the role of this variant in disease. Therefore, it has been classified as a Variant of Uncertain Significance. Algorithms developed to predict the effect of missense changes on protein structure and function output the following: SIFT: "Deleterious"; PolyPhen-2: "Benign"; Align-GVGD: "Class C0". The glutamine amino acid residue is found in multiple mammalian species, which suggests that this missense change does not adversely affect protein function. This variant has not been reported in the literature in individuals affected with GPR179-related conditions. This variant is present in population databases (rs544904847, gnomAD 0.01%).

Department of Pathology and Laboratory Medicine, Sinai Health System
Classification: Uncertain significance for Congenital stationary night blindness 1E. Last evaluated: 2021-12-07. Review status: criteria provided, single submitter. Criteria: ACMG Guidelines, 2015. Collection method: research. Allele origin: germline.